The following is an entry in ClinVar:

ClinVar aggregate classification (germline): Uncertain significance (1 of 4 stars; one submission).

Conditions:
Focal segmental glomerulosclerosis 5 (FSGS5). Identifiers: Orphanet 656, MedGen C2750475, MONDO:0013191, OMIM 613237.
Charcot-Marie-Tooth disease dominant intermediate E. Also called: CHARCOT-MARIE-TOOTH NEUROPATHY WITH FOCAL SEGMENTAL GLOMERULONEPHRITIS. Identifiers: Orphanet 93114, MedGen C4302667, MONDO:0013758, OMIM 614455.

Submission:

Labcorp Genetics (formerly Invitae), Labcorp
Classification: Uncertain significance for Charcot-Marie-Tooth disease dominant intermediate E; Focal segmental glomerulosclerosis 5. Last evaluated: 2020-07-02. Review status: criteria provided, single submitter. Criteria: Invitae Variant Classification Sherloc (09022015). Collection method: clinical testing. Allele origin: germline.
Comment: In summary, the available evidence is currently insufficient to determine the role of this variant in disease. Therefore, it has been classified as a Variant of Uncertain Significance. Algorithms developed to predict the effect of missense changes on protein structure and function output the following: SIFT: "Tolerated"; PolyPhen-2: "Benign"; Align-GVGD: "Class C0". The proline amino acid residue is found in multiple mammalian species, suggesting that this missense change does not adversely affect protein function. These predictions have not been confirmed by published functional studies and their clinical significance is uncertain. This variant has not been reported in the literature in individuals with INF2-related conditions. This variant is not present in population databases (ExAC no frequency). This sequence change replaces alanine with proline at codon 393 of the INF2 protein (p.Ala393Pro). The alanine residue is weakly conserved and there is a small physicochemical difference between alanine and proline.

NM_022489.4(INF2):c.1177G>C (p.Ala393Pro)

Gene: INF2 (inverted formin 2; plus strand). Cytogenetic location: 14q32.33.
Variant type: single nucleotide variant.
Coding change: c.1177G>C on transcript NM_022489.4 (MANE Select); coding-DNA position 1177, G replaced by C.
Protein change: p.Ala393Pro; replaces alanine 393 with proline.
Molecular consequence: missense variant.
Genome position (GRCh38, 1-based): chr14:104,707,444, G>C. VCF-style: chr14-104707444-G-C. GRCh37 (hg19) VCF-style: chr14-105173781-G-C.
Other names: c.1177G>C, p.Ala393Pro (NM_001031714.4); short protein forms A393P.
Identifiers: ClinVar variation 1052805 (VCV001052805.9), dbSNP rs2140667487, ClinGen allele CA391216016.